The following is an entry in ClinVar:

NM_000059.4(BRCA2):c.4943C>A (p.Ala1648Glu)

Gene: BRCA2 (BRCA2 DNA repair associated; plus strand). Cytogenetic location: 13q13.1.
Variant type: single nucleotide variant.
Coding change: c.4943C>A on transcript NM_000059.4 (MANE Select); coding-DNA position 4943, C replaced by A.
Protein change: p.Ala1648Glu; replaces alanine 1648 with glutamic acid.
Molecular consequence: missense variant.
Genome position (GRCh38, 1-based): chr13:32,339,298, C>A. VCF-style: chr13-32339298-C-A. GRCh37 (hg19) VCF-style: chr13-32913435-C-A.
Other names: c.4943C>A (NM_000059.3); short protein forms A1648E.
Identifiers: ClinVar variation 1351526 (VCV001351526.8), dbSNP rs1449458592, ClinGen allele CA387783719.
Genomic context (GRCh38, chr13:32,339,298, plus strand): 5'-AAACATCAAAAAGTATCTTTTTGAAAGTTAAAGTACATGAAAATGTAGAAAAAGAAACAG[C>A]AAAAAGTCCTGCAACTTGTTACACAAATCAGTCCCCTTATTCAGTCATTGAAAATTCAGC-3'
Protein context (NP_000050.3, residues 1638-1658): KVHENVEKET[Ala1648Glu]KSPATCYTNQ

ClinVar aggregate classification (germline): Conflicting classifications of pathogenicity. Review status: criteria provided, conflicting classifications (1 of 4 stars). 3 submissions from 3 submitters: Uncertain significance (2); Likely benign (1). Last evaluated 2025-04-29.

Conditions:
Hereditary cancer-predisposing syndrome. Also called: Neoplastic Syndromes, Hereditary; Tumor predisposition; Hereditary neoplastic syndrome; Hereditary Cancer Syndrome. Identifiers: Orphanet 140162, MedGen C0027672, MeSH D009386, MONDO:0015356.
Hereditary breast ovarian cancer syndrome. Also called: BRCA1- and BRCA2-Associated Hereditary Breast and Ovarian Cancer; Hereditary breast and ovarian cancer; Hereditary breast and ovarian cancer syndrome; Hereditary breast and ovarian cancer syndrome (HBOC); Breast and ovarian cancer; Hereditary breast and/or ovarian cancer syndrome. Identifiers: Orphanet 145, MedGen C0677776, MeSH D061325, MONDO:0003582. Disease mechanism: loss of function.

Submissions (3):

Labcorp Genetics (formerly Invitae), Labcorp
Classification: Uncertain significance for Hereditary breast ovarian cancer syndrome. Last evaluated: 2025-04-29. Review status: criteria provided, single submitter. Criteria: Invitae Variant Classification Sherloc (09022015). Collection method: clinical testing. Allele origin: germline.
Comment: This sequence change replaces alanine, which is neutral and non-polar, with glutamic acid, which is acidic and polar, at codon 1648 of the BRCA2 protein (p.Ala1648Glu). This variant is not present in population databases (gnomAD no frequency). This variant has not been reported in the literature in individuals affected with BRCA2-related conditions. ClinVar contains an entry for this variant (Variation ID: 1351526). Invitae Evidence Modeling of protein sequence and biophysical properties (such as structural, functional, and spatial information, amino acid conservation, physicochemical variation, residue mobility, and thermodynamic stability) indicates that this missense variant is not expected to disrupt BRCA2 protein function with a negative predictive value of 95%. In summary, the available evidence is currently insufficient to determine the role of this variant in disease. Therefore, it has been classified as a Variant of Uncertain Significance.

Ambry Genetics
Classification: Uncertain significance for Hereditary cancer-predisposing syndrome. Last evaluated: 2024-07-25. Review status: criteria provided, single submitter. Criteria: Ambry Variant Classification Scheme 2023. Collection method: clinical testing. Allele origin: germline.
Comment: The p.A1648E variant (also known as c.4943C>A), located in coding exon 10 of the BRCA2 gene, results from a C to A substitution at nucleotide position 4943. The alanine at codon 1648 is replaced by glutamic acid, an amino acid with dissimilar properties. This amino acid position is conserved. In addition, this alteration is predicted to be tolerated by in silico analysis. Based on the available evidence, the clinical significance of this variant remains unclear.

University of Washington Department of Laboratory Medicine, University of Washington
Classification: Likely benign for Hereditary cancer-predisposing syndrome. Last evaluated: 2023-03-23. Review status: criteria provided, single submitter. Criteria: Dines et al. (Genet Med. 2020). Collection method: curation. Allele origin: germline.
Comment: Missense variant in a coldspot region where missense variants are very unlikely to be pathogenic (PMID:31911673).

BRCA2 exon 11 coldspot. Reclassification based on statistical prior probability.